The following is an entry in ClinVar:

ClinVar aggregate classification (germline): Uncertain significance (1 of 4 stars; one submission).

Submission:

Labcorp Genetics (formerly Invitae), Labcorp
Classification: Uncertain significance. Last evaluated: 2023-08-10. Review status: criteria provided, single submitter. Criteria: Invitae Variant Classification Sherloc (09022015). Collection method: clinical testing. Allele origin: germline.
Comment: In summary, the available evidence is currently insufficient to determine the role of this variant in disease. Therefore, it has been classified as a Variant of Uncertain Significance. An algorithm developed to predict the effect of missense changes on protein structure and function (PolyPhen-2) suggests that this variant is likely to be disruptive. ClinVar contains an entry for this variant (Variation ID: 2105857). This sequence change replaces valine, which is neutral and non-polar, with alanine, which is neutral and non-polar, at codon 977 of the KIAA1549 protein (p.Val977Ala). This variant is not present in population databases (gnomAD no frequency). This variant has not been reported in the literature in individuals affected with KIAA1549-related conditions.

NM_001164665.2(KIAA1549):c.2930T>C (p.Val977Ala)

Gene: KIAA1549 (KIAA1549; minus strand). Cytogenetic location: 7q34.
Variant type: single nucleotide variant.
Coding change: c.2930T>C on transcript NM_001164665.2 (MANE Select); coding-DNA position 2930, T replaced by C.
Protein change: p.Val977Ala; replaces valine 977 with alanine.
Molecular consequence: missense variant.
Genome position (GRCh38, 1-based): chr7:138,912,409, A>G on the plus strand (T>C on the coding strand, the complement: KIAA1549 is on the minus strand). VCF-style: chr7-138912409-A-G. GRCh37 (hg19) VCF-style: chr7-138597155-A-G.
Other names: c.2930T>C, p.Val977Ala (NM_020910.3); short protein forms V977A.
Identifiers: ClinVar variation 2105857 (VCV002105857.4), dbSNP rs1812195943, ClinGen allele CA369389861.